The following is an entry in ClinVar:

ClinVar aggregate classification (germline): Benign/Likely benign. Review status: criteria provided, multiple submitters, no conflicts (2 of 4 stars). 7 submissions from 7 submitters: Benign (6); Likely benign (1). Last evaluated 2026-02-04.

Conditions:
Chédiak-Higashi syndrome (CHS). Also called: Chediak-Higashi Syndrome. Identifiers: Orphanet 167, MedGen C0007965, MONDO:0008963, OMIM 214500.

Allele frequency attached by ClinVar (database versions not stated): gnomAD exomes 0.00540 and 0.01429; ExAC 0.01832; gnomAD 0.05479 and 0.05877; 1000 Genomes Project 0.06150; TOPMed 0.06171; 1000 Genomes Project 30x 0.06215; ESP Exome Variant Server 0.06412.
gnomAD v4.1: 16,602 of 1,614,094 alleles (1%); highest among the groups gnomAD compares: African/African-American, 19%; 1,385 homozygotes.

Submissions (7):

Labcorp Genetics (formerly Invitae), Labcorp
Classification: Benign for Chédiak-Higashi syndrome. Last evaluated: 2026-02-04. Review status: criteria provided, single submitter. Criteria: Invitae Variant Classification Sherloc (09022015). Collection method: clinical testing. Allele origin: germline.

Blueprint Genetics
Classification: Likely benign. Last evaluated: 2024-11-25. Review status: criteria provided, single submitter. Criteria: ACMG Guidelines, 2015. Collection method: clinical testing. Allele origin: germline.

Mayo Clinic Laboratories, Mayo Clinic
Classification: Benign. Last evaluated: 2023-07-09. Review status: criteria provided, single submitter. Criteria: ACMG Guidelines, 2015. Collection method: clinical testing. Allele origin: germline. Observed: 123 variant alleles.

GeneDx
Classification: Benign. Last evaluated: 2018-06-13. Review status: criteria provided, single submitter. Criteria: GeneDx Variant Classification (06012015). Collection method: clinical testing. Allele origin: germline. Affected: yes.
Comment: This variant is considered likely benign or benign based on one or more of the following criteria: it is a conservative change, it occurs at a poorly conserved position in the protein, it is predicted to be benign by multiple in silico algorithms, and/or has population frequency not consistent with disease.

Illumina Laboratory Services, Illumina
Classification: Benign for Chédiak-Higashi syndrome. Last evaluated: 2018-01-13. Review status: criteria provided, single submitter. Criteria: ICSL Variant Classification Criteria 13 December 2019. Collection method: clinical testing. Allele origin: germline.
Comment: This variant was observed in the ICSL laboratory as part of a predisposition screen in an ostensibly healthy population. It had not been previously curated by ICSL or reported in the Human Gene Mutation Database (HGMD: prior to June 1st, 2018), and was therefore a candidate for classification through an automated scoring system. Utilizing variant allele frequency, disease prevalence and penetrance estimates, and inheritance mode, an automated score was calculated to assess if this variant is too frequent to cause the disease. Based on the score and internal cut-off values, a variant classified as benign is not then subjected to further curation. The score for this variant resulted in a classification of benign for this disease.

Breakthrough Genomics
Classification: Benign. Review status: criteria provided, single submitter. Criteria: ACMG Guidelines, 2015. Collection method: not provided. Allele origin: germline. Inheritance: Autosomal recessive inheritance. Affected: yes.

PreventionGenetics, part of Exact Sciences
Classification: Benign. Review status: criteria provided, single submitter. Criteria: ACMG Guidelines, 2015. Collection method: clinical testing. Allele origin: germline.

NM_000081.4(LYST):c.6630A>G (p.Glu2210=)

Gene: LYST (lysosomal trafficking regulator; minus strand). Cytogenetic location: 1q42.3.
Variant type: single nucleotide variant.
Coding change: c.6630A>G on transcript NM_000081.4 (MANE Select); coding-DNA position 6630, A replaced by G.
Protein change: p.Glu2210=; no amino-acid change (glutamic acid 2210 retained).
Molecular consequence: synonymous variant.
Genome position (GRCh38, 1-based): chr1:235,759,223, T>C on the plus strand (A>G on the coding strand, the complement: LYST is on the minus strand). VCF-style: chr1-235759223-T-C. GRCh37 (hg19) VCF-style: chr1-235922523-T-C.
Other names: p.Glu2210=; c.6630A>G, p.Glu2210= (NM_001301365.1).
Identifiers: ClinVar variation 254932 (VCV000254932.20), dbSNP rs34466404, ClinGen allele CA1466343.